The following is an entry in ClinVar:

ClinVar aggregate classification (germline): Conflicting classifications of pathogenicity. Review status: criteria provided, conflicting classifications (1 of 4 stars). 2 submissions from 2 submitters: Uncertain significance (1); Likely benign (1). Last evaluated 2024-12-23.

Conditions:
Colorectal cancer, hereditary nonpolyposis, type 7. Identifiers: Orphanet 144, MedGen C1858380, MONDO:0013725, OMIM 614385.

Submissions (2):

Ambry Genetics
Classification: Likely benign. Last evaluated: 2024-12-23. Review status: criteria provided, single submitter. Criteria: Ambry Variant Classification Scheme 2023. Collection method: clinical testing. Allele origin: germline.

Labcorp Genetics (formerly Invitae), Labcorp
Classification: Uncertain significance for Colorectal cancer, hereditary nonpolyposis, type 7. Last evaluated: 2022-01-17. Review status: criteria provided, single submitter. Criteria: Invitae Variant Classification Sherloc (09022015). Collection method: clinical testing. Allele origin: germline.
Comment: In summary, the available evidence is currently insufficient to determine the role of this variant in disease. Therefore, it has been classified as a Variant of Uncertain Significance. Algorithms developed to predict the effect of missense changes on protein structure and function output the following: SIFT: "Tolerated"; PolyPhen-2: "Benign"; Align-GVGD: "Class C0". The glutamic acid amino acid residue is found in multiple mammalian species, which suggests that this missense change does not adversely affect protein function. This variant has not been reported in the literature in individuals affected with MLH3-related conditions. This variant is not present in population databases (gnomAD no frequency). This sequence change replaces glycine, which is neutral and non-polar, with glutamic acid, which is acidic and polar, at codon 1184 of the MLH3 protein (p.Gly1184Glu).

NM_001040108.2(MLH3):c.3551G>A (p.Gly1184Glu)

Gene: MLH3 (mutL homolog 3; minus strand). Cytogenetic location: 14q24.3.
Variant type: single nucleotide variant.
Coding change: c.3551G>A on transcript NM_001040108.2 (MANE Select); coding-DNA position 3551, G replaced by A.
Protein change: p.Gly1184Glu; replaces glycine 1184 with glutamic acid.
Molecular consequence: missense variant.
Genome position (GRCh38, 1-based): chr14:75,039,930, C>T on the plus strand (G>A on the coding strand, the complement: MLH3 is on the minus strand). VCF-style: chr14-75039930-C-T. GRCh37 (hg19) VCF-style: chr14-75506633-C-T.
Other names: c.3551G>A, p.Gly1184Glu (NM_014381.3); short protein forms G1184E.
Identifiers: ClinVar variation 2165803 (VCV002165803.5), dbSNP rs2503195040, ClinGen allele CA390428402.